The following is an entry in ClinVar:

NM_014633.5(CTR9):c.2261T>C (p.Met754Thr)

Gene: CTR9 (CTR9 component of Paf1/RNA polymerase II complex; plus strand). Cytogenetic location: 11p15.4.
Variant type: single nucleotide variant.
Coding change: c.2261T>C on transcript NM_014633.5 (MANE Select); coding-DNA position 2261, T replaced by C.
Protein change: p.Met754Thr; replaces methionine 754 with threonine.
Molecular consequence: missense variant.
Genome position (GRCh38, 1-based): chr11:10,770,521, T>C. VCF-style: chr11-10770521-T-C. GRCh37 (hg19) VCF-style: chr11-10792068-T-C.
Other names: c.2261T>C, p.Met754Thr (NM_001346279.2); short protein forms M754T.
Identifiers: ClinVar variation 4751306 (VCV004751306.1).

ClinVar aggregate classification (germline): Uncertain significance (1 of 4 stars; one submission).

gnomAD v4.1: 1 of 1,614,020 alleles (0.000062%); highest among the groups gnomAD compares: Non-Finnish European, 0.000085%; no homozygotes.

Submission:

Labcorp Genetics (formerly Invitae), Labcorp
Classification: Uncertain significance. Last evaluated: 2025-05-11. Review status: criteria provided, single submitter. Criteria: Invitae Variant Classification Sherloc (09022015). Collection method: clinical testing. Allele origin: germline.
Comment: This sequence change replaces methionine, which is neutral and non-polar, with threonine, which is neutral and polar, at codon 754 of the CTR9 protein (p.Met754Thr). This variant is present in population databases (rs746902455, gnomAD 0.0009%). This variant has not been reported in the literature in individuals affected with CTR9-related conditions. An algorithm developed to predict the effect of missense changes on protein structure and function (PolyPhen-2) suggests that this variant is likely to be tolerated. In summary, the available evidence is currently insufficient to determine the role of this variant in disease. Therefore, it has been classified as a Variant of Uncertain Significance.